The following is an entry in ClinVar:

NM_001374736.1(DST):c.2987C>T (p.Thr996Met)

Gene: DST (dystonin; minus strand). Cytogenetic location: 6p12.1.
Variant type: single nucleotide variant.
Coding change: c.2987C>T on transcript NM_001374736.1 (MANE Select); coding-DNA position 2987, C replaced by T.
Protein change: p.Thr996Met; replaces threonine 996 with methionine.
Molecular consequence: missense variant.
Genome position (GRCh38, 1-based): chr6:56,636,630, G>A on the plus strand (C>T on the coding strand, the complement: DST is on the minus strand). VCF-style: chr6-56636630-G-A. GRCh37 (hg19) VCF-style: chr6-56501428-G-A.
Other names: c.2888C>T, p.Thr963Met (NM_001144769.5); c.2474C>T, p.Thr825Met (NM_001144770.2); c.2987C>T, p.Thr996Met (NM_001374722.1); c.2354C>T, p.Thr785Met (NM_001374729.1, NM_001374730.1, NM_001386100.1 and 1 more transcripts); c.3014C>T, p.Thr1005Met (NM_001374734.1); c.1376C>T, p.Thr459Met (NM_001723.7, NM_015548.5); short protein forms T825M, T459M, T785M, T1005M, T963M, T996M.
Identifiers: ClinVar variation 1433745 (VCV001433745.5), dbSNP rs780603543, ClinGen allele CA3871259.

ClinVar aggregate classification (germline): Uncertain significance (1 of 4 stars; one submission).

Conditions:
Hereditary sensory and autonomic neuropathy type 6. Also called: HSAN VI; Neuropathy, hereditary sensory and autonomic, type VI. Identifiers: Orphanet 314381, MedGen C3539003, MONDO:0013839, OMIM 614653.
Epidermolysis bullosa simplex 3, localized or generalized intermediate, with BP230 deficiency (EBS3). Also called: Epidermolysis bullosa simplex, autosomal recessive 2; Epidermolysis bullosa simplex due to BP230 deficiency. Identifiers: Orphanet 412181, MedGen C3809470, MONDO:0014180, OMIM 615425.

Allele frequency attached by ClinVar (database versions not stated): gnomAD 0.00001; gnomAD exomes 0.00001; TOPMed 0.00001; ExAC 0.00002.
gnomAD v4.1: 28 of 1,613,428 alleles (0.0017%); highest among the groups gnomAD compares: East Asian, 0.0045%; no homozygotes.

Submission:

Labcorp Genetics (formerly Invitae), Labcorp
Classification: Uncertain significance for Epidermolysis bullosa simplex 3, localized or generalized intermediate, with BP230 deficiency; Hereditary sensory and autonomic neuropathy type 6. Last evaluated: 2021-08-31. Review status: criteria provided, single submitter. Criteria: Invitae Variant Classification Sherloc (09022015). Collection method: clinical testing. Allele origin: germline.
Comment: This sequence change replaces threonine with methionine at codon 459 of the DST protein (p.Thr459Met). The threonine residue is highly conserved and there is a moderate physicochemical difference between threonine and methionine. This variant is present in population databases (rs780603543, ExAC 0.006%). This variant has not been reported in the literature in individuals affected with DST-related conditions. Algorithms developed to predict the effect of missense changes on protein structure and function (SIFT, PolyPhen-2, Align-GVGD) all suggest that this variant is likely to be disruptive. In summary, the available evidence is currently insufficient to determine the role of this variant in disease. Therefore, it has been classified as a Variant of Uncertain Significance.